The following is an entry in ClinVar:

ClinVar aggregate classification (germline): not provided (0 of 4 stars; one submission).

Allele frequency attached by ClinVar (database versions not stated): gnomAD 0.00001.
gnomAD v4.1: 1 of 1,613,834 alleles (0.000062%); highest among the groups gnomAD compares: African/African-American, 0.0013%; no homozygotes.

Submission:

Human Evolutionary Genetics, Institut Pasteur
No classification provided. Review status: no classification provided. Collection method: not provided. Allele origin: germline.
ClinVar note: Converted during submission from untested to not provided.

NM_001384950.1(NLRC5):c.2754G>A (p.Val918=)

Gene: NLRC5 (NLR family CARD domain containing 5; plus strand). Cytogenetic location: 16q13.
Variant type: single nucleotide variant.
Coding change: c.2754G>A on transcript NM_001384950.1 (MANE Select); coding-DNA position 2754, G replaced by A.
Protein change: p.Val918=; no amino-acid change (valine 918 retained).
Molecular consequence: synonymous variant. On other transcripts: non-coding transcript variant (9).
Genome position (GRCh38, 1-based): chr16:57,037,237, G>A. VCF-style: chr16-57037237-G-A. GRCh37 (hg19) VCF-style: chr16-57071149-G-A.
Other names: c.2754G>A, p.Val918= (NM_001330552.2, NM_001384951.1, NM_001384952.1 and 19 more transcripts); c.2670G>A, p.Val890= (NM_001384960.1, NM_001384965.1); c.2583G>A, p.Val861= (NM_001384972.1).
Identifiers: ClinVar variation 103166 (VCV000103166.2), dbSNP rs199475985, ClinGen allele CA230210.
Genomic context (GRCh38, chr16:57,037,237, plus strand): 5'-TTCTCCTGCTCTCCACAGCCTCAGTAACAACGGGCTTTCTGTGGCCGGGGTGCATTGTGT[G>A]CTGAGGGCCGTGAGTGCGTGCTGGACCCTGGCAGAGCTGCACATCAGGTGGGAGCTCCCT-3'
Protein context (NP_001371879.1, residues 908-928): NGLSVAGVHC[Val918=]LRAVSACWTL